The following is an entry in ClinVar:

ClinVar aggregate classification (germline): Uncertain significance. Review status: criteria provided, multiple submitters, no conflicts (2 of 4 stars). 8 submissions from 3 submitters: Uncertain significance (8). Last evaluated 2023-12-01.

Conditions:
Marfan syndrome (MFS). Also called: Marfan syndrome type 1; Marfan's syndrome; MARFAN SYNDROME, TYPE I; Marfan syndrome, classic; FBN1-Related Marfan Syndrome. Identifiers: Orphanet 284963, Orphanet 558, MedGen C0024796, MONDO:0007947, OMIM 154700.
Weill-Marchesani syndrome. Also called: WM Syndrome; Mesodermal dysmorphodystrophy congenital. Identifiers: Orphanet 3449, MedGen C0265313, MONDO:0018096.
Acromicric dysplasia (ACMICD). Also called: Acromicric skeletal dysplasia. Identifiers: Orphanet 969, MedGen C0265287, MONDO:0007055, OMIM 102370.
Stiff skin syndrome (SSKS). Identifiers: Orphanet 2833, MedGen C1861456, MONDO:0008492, OMIM 184900.
Ectopia lentis 1, isolated, autosomal dominant (ECTOL1). Identifiers: Orphanet 1885, MedGen C3541518, MONDO:0007514, OMIM 129600.
Progeroid and marfanoid aspect-lipodystrophy syndrome. Also called: Marfan lipodystrophy syndrome; MARFANOID-PROGEROID SYNDROME; MARFAN-PROGEROID-LIPODYSTROPHY SYNDROME; MARFANOID-PROGEROID-LIPODYSTROPHY SYNDROME. Identifiers: Orphanet 300382, MedGen C4310796, MONDO:0014831, OMIM 616914.
MASS syndrome (OCTD). Also called: MASS PHENOTYPE; OVERLAP CONNECTIVE TISSUE DISEASE. Identifiers: MedGen C1858556, MONDO:0011431, OMIM 604308.
Geleophysic dysplasia 2 (GPHYSD2). Identifiers: Orphanet 2623, MedGen C3280054, MONDO:0013612, OMIM 614185.
Weill-Marchesani syndrome 2, dominant. Also called: Weill-Marchesani Syndrome, Autosomal Dominant; FBN1-Related Weill-Marchesani Syndrome. Identifiers: Orphanet 2084, MedGen C1869115, MONDO:0012013, OMIM 608328.
Familial thoracic aortic aneurysm and aortic dissection (TAAD). Also called: Thoracic aortic aneurysms and dissections. Identifiers: Orphanet 91387, MedGen C4707243, MONDO:0019625.

Allele frequency attached by ClinVar (database versions not stated): gnomAD exomes 0.00001.
gnomAD v4.1: 7 of 1,613,806 alleles (0.00043%); highest among the groups gnomAD compares: Non-Finnish European, 0.00059%; no homozygotes.

Submissions (8):

All of Us Research Program, National Institutes of Health
Classification: Uncertain significance for Marfan syndrome. Last evaluated: 2023-12-01. Review status: criteria provided, single submitter. Criteria: ACMG Guidelines, 2015. Collection method: clinical testing. Allele origin: germline. Inheritance: Autosomal dominant inheritance. Observed: 1 variant allele, 1 heterozygote.
Comment: This study involves interpretation of variants in research participants for the purpose of population health screening. Participant phenotype was not available at the time of variant classification. Additional details can be found in publication PMID: 35346344, PMCID: PMC8962531

Fulgent Genetics
Classification: Uncertain significance for Acromicric dysplasia; Ectopia lentis 1, isolated, autosomal dominant; Marfan syndrome; Stiff skin syndrome; MASS syndrome; Weill-Marchesani syndrome 2, dominant; Geleophysic dysplasia 2; Progeroid and marfanoid aspect-lipodystrophy syndrome. Last evaluated: 2021-11-17. Review status: criteria provided, single submitter. Criteria: ACMG Guidelines, 2015. Collection method: clinical testing. Allele origin: unknown.

Illumina Laboratory Services, Illumina
Classification: Uncertain significance for Acromicric dysplasia. Last evaluated: 2018-01-13. Review status: criteria provided, single submitter. Criteria: ICSL Variant Classification Criteria 13 December 2019. Collection method: clinical testing. Allele origin: germline.

Illumina Laboratory Services, Illumina
Classification: Uncertain significance for Familial thoracic aortic aneurysm and aortic dissection. Last evaluated: 2018-01-13. Review status: criteria provided, single submitter. Criteria: ICSL Variant Classification Criteria 13 December 2019. Collection method: clinical testing. Allele origin: germline.

Illumina Laboratory Services, Illumina
Classification: Uncertain significance for Stiff skin syndrome. Last evaluated: 2018-01-13. Review status: criteria provided, single submitter. Criteria: ICSL Variant Classification Criteria 13 December 2019. Collection method: clinical testing. Allele origin: germline.

Illumina Laboratory Services, Illumina
Classification: Uncertain significance for Weill-Marchesani syndrome. Last evaluated: 2018-01-13. Review status: criteria provided, single submitter. Criteria: ICSL Variant Classification Criteria 13 December 2019. Collection method: clinical testing. Allele origin: germline.

Illumina Laboratory Services, Illumina
Classification: Uncertain significance for Ectopia lentis 1, isolated, autosomal dominant. Last evaluated: 2018-01-13. Review status: criteria provided, single submitter. Criteria: ICSL Variant Classification Criteria 13 December 2019. Collection method: clinical testing. Allele origin: germline.

Illumina Laboratory Services, Illumina
Classification: Uncertain significance for Marfan syndrome. Last evaluated: 2018-01-13. Review status: criteria provided, single submitter. Criteria: ICSL Variant Classification Criteria 13 December 2019. Collection method: clinical testing. Allele origin: germline.

NM_000138.5(FBN1):c.1193G>A (p.Arg398Lys)

Gene: FBN1 (fibrillin 1; minus strand). Cytogenetic location: 15q21.1.
Variant type: single nucleotide variant.
Coding change: c.1193G>A on transcript NM_000138.5 (MANE Select); coding-DNA position 1193, G replaced by A.
Protein change: p.Arg398Lys; replaces arginine 398 with lysine.
Molecular consequence: missense variant.
Genome position (GRCh38, 1-based): chr15:48,516,317, C>T on the plus strand (G>A on the coding strand, the complement: FBN1 is on the minus strand). VCF-style: chr15-48516317-C-T. GRCh37 (hg19) VCF-style: chr15-48808514-C-T.
Other names: short protein forms R398K.
Identifiers: ClinVar variation 316387 (VCV000316387.8), dbSNP rs886051250, ClinGen allele CA10646205.